The following is an entry in ClinVar:

NM_001160372.4(TRAPPC9):c.2183A>G (p.Asn728Ser)

Gene: TRAPPC9 (trafficking protein particle complex subunit 9; minus strand). Cytogenetic location: 8q24.3.
Variant type: single nucleotide variant.
Coding change: c.2183A>G on transcript NM_001160372.4 (MANE Select); coding-DNA position 2183, A replaced by G.
Protein change: p.Asn728Ser; replaces asparagine 728 with serine.
Molecular consequence: missense variant. On other transcripts: non-coding transcript variant (1).
Genome position (GRCh38, 1-based): chr8:140,275,753, T>C on the plus strand (A>G on the coding strand, the complement: TRAPPC9 is on the minus strand). VCF-style: chr8-140275753-T-C. GRCh37 (hg19) VCF-style: chr8-141285852-T-C.
Other names: c.2156A>G, p.Asn719Ser (NM_001321646.2); c.2204A>G, p.Asn735Ser (NM_001374682.1); c.2183A>G, p.Asn728Ser (NM_001374683.1, NM_031466.8); c.2039A>G, p.Asn680Ser (NM_001374684.1); short protein forms N735S, N728S, N680S, N719S.
Identifiers: ClinVar variation 2188811 (VCV002188811.2), dbSNP rs758181432, ClinGen allele CA4893163.

ClinVar aggregate classification (germline): Uncertain significance (1 of 4 stars; one submission).

Allele frequency attached by ClinVar (database versions not stated): gnomAD 0.00002; TOPMed 0.00002; ExAC 0.00003; gnomAD exomes 0.00004.
gnomAD v4.1: 63 of 1,613,652 alleles (0.0039%); highest among the groups gnomAD compares: Non-Finnish European, 0.0053%; no homozygotes.

Submission:

Labcorp Genetics (formerly Invitae), Labcorp
Classification: Uncertain significance. Last evaluated: 2022-01-10. Review status: criteria provided, single submitter. Criteria: Invitae Variant Classification Sherloc (09022015). Collection method: clinical testing. Allele origin: germline.
Comment: This sequence change replaces asparagine, which is neutral and polar, with serine, which is neutral and polar, at codon 826 of the TRAPPC9 protein (p.Asn826Ser). In summary, the available evidence is currently insufficient to determine the role of this variant in disease. Therefore, it has been classified as a Variant of Uncertain Significance. Algorithms developed to predict the effect of missense changes on protein structure and function are either unavailable or do not agree on the potential impact of this missense change (SIFT: "Not Available"; PolyPhen-2: "Probably Damaging"; Align-GVGD: "Not Available"). This variant has not been reported in the literature in individuals affected with TRAPPC9-related conditions. This variant is present in population databases (rs758181432, gnomAD 0.006%).